The following is an entry in ClinVar:

ClinVar aggregate classification (germline): Benign. Review status: criteria provided, multiple submitters, no conflicts (2 of 4 stars). 4 submissions from 4 submitters: Benign (4). Last evaluated 2026-02-02.

Conditions:
Hereditary sensory neuropathy-deafness-dementia syndrome. Also called: HSN IE; Hereditary sensory neuropathy type IE; Hereditary Sensory and Autonomic Neuropathy Type 1E (HSAN1E); NEUROPATHY, HEREDITARY SENSORY, WITH HEARING LOSS AND DEMENTIA. Identifiers: Orphanet 456318, MedGen C3279885, MONDO:0013584, OMIM 614116.

Allele frequency attached by ClinVar (database versions not stated): TOPMed 0.00192; gnomAD exomes 0.00354 and 0.00856; gnomAD 0.00551 and 0.00582; 1000 Genomes Project 30x 0.00765; 1000 Genomes Project 0.00839; ExAC 0.00910.
gnomAD v4.1: 6,204 of 1,590,962 alleles (0.39%); highest among the groups gnomAD compares: East Asian, 3.5%; 127 homozygotes.

Submissions (4):

Labcorp Genetics (formerly Invitae), Labcorp
Classification: Benign for Hereditary sensory neuropathy-deafness-dementia syndrome. Last evaluated: 2026-02-02. Review status: criteria provided, single submitter. Criteria: Invitae Variant Classification Sherloc (09022015). Collection method: clinical testing. Allele origin: germline.

ARUP Laboratories, Molecular Genetics and Genomics, ARUP Laboratories
Classification: Benign. Last evaluated: 2025-07-17. Review status: criteria provided, single submitter. Criteria: ARUP Molecular Germline Variant Investigation Process 2024. Collection method: clinical testing. Allele origin: germline.

GeneDx
Classification: Benign. Last evaluated: 2016-03-25. Review status: criteria provided, single submitter. Criteria: GeneDx Variant Classification (06012015). Collection method: clinical testing. Allele origin: germline. Affected: yes.
Comment: This variant is considered likely benign or benign based on one or more of the following criteria: it is a conservative change, it occurs at a poorly conserved position in the protein, it is predicted to be benign by multiple in silico algorithms, and/or has population frequency not consistent with disease.

Breakthrough Genomics
Classification: Benign. Review status: criteria provided, single submitter. Criteria: ACMG Guidelines, 2015. Collection method: not provided. Allele origin: germline. Inheritance: Autosomal dominant inheritance. Affected: yes.

NM_001130823.3(DNMT1):c.4294-19G>C

Gene: DNMT1 (DNA methyltransferase 1; minus strand). Cytogenetic location: 19p13.2.
Variant type: single nucleotide variant.
Coding change: c.4294-19G>C on transcript NM_001130823.3 (MANE Select); 19 bases into the intron before coding-DNA position 4294, G replaced by C.
Molecular consequence: intron variant.
Genome position (GRCh38, 1-based): chr19:10,137,299, C>G on the plus strand (G>C on the coding strand, the complement: DNMT1 is on the minus strand). VCF-style: chr19-10137299-C-G. GRCh37 (hg19) VCF-style: chr19-10247975-C-G.
Other names: c.4294-19G>C (LRG_362t1); c.3931-19G>C (NM_001318731.2); c.4246-19G>C (NM_001379.4, NM_001318730.2).
Identifiers: ClinVar variation 377788 (VCV000377788.20), dbSNP rs2290683, ClinGen allele CA9187539.